The following is an entry in ClinVar:

ClinVar aggregate classification (germline): Uncertain significance (1 of 4 stars; one submission).

Conditions:
Dystonia 12 (DYT12). Also called: Rapid-Onset Dystonia-Parkinsonism (RDP); DYT-ATP1A3. Identifiers: Orphanet 71517, MedGen C1868681, MONDO:0007496, OMIM 128235.

Submission:

Labcorp Genetics (formerly Invitae), Labcorp
Classification: Uncertain significance for Dystonia 12. Last evaluated: 2023-10-17. Review status: criteria provided, single submitter. Criteria: Invitae Variant Classification Sherloc (09022015). Collection method: clinical testing. Allele origin: germline.
Comment: This sequence change replaces cysteine, which is neutral and slightly polar, with phenylalanine, which is neutral and non-polar, at codon 980 of the ATP1A3 protein (p.Cys980Phe). This variant is not present in population databases (gnomAD no frequency). This variant has not been reported in the literature in individuals affected with ATP1A3-related conditions. Advanced modeling of protein sequence and biophysical properties (such as structural, functional, and spatial information, amino acid conservation, physicochemical variation, residue mobility, and thermodynamic stability) performed at Invitae indicates that this missense variant is expected to disrupt ATP1A3 protein function. Algorithms developed to predict the effect of sequence changes on RNA splicing suggest that this variant may create or strengthen a splice site. In summary, the available evidence is currently insufficient to determine the role of this variant in disease. Therefore, it has been classified as a Variant of Uncertain Significance.

NM_152296.5(ATP1A3):c.2939G>T (p.Cys980Phe)

Gene: ATP1A3 (ATPase Na+/K+ transporting subunit alpha 3; minus strand). Cytogenetic location: 19q13.2.
Variant type: single nucleotide variant.
Coding change: c.2939G>T on transcript NM_152296.5 (MANE Select); coding-DNA position 2939, G replaced by T.
Protein change: p.Cys980Phe; replaces cysteine 980 with phenylalanine.
Molecular consequence: missense variant.
Genome position (GRCh38, 1-based): chr19:41,967,323, C>A on the plus strand (G>T on the coding strand, the complement: ATP1A3 is on the minus strand). VCF-style: chr19-41967323-C-A. GRCh37 (hg19) VCF-style: chr19-42471475-C-A.
Other names: c.2972G>T, p.Cys991Phe (NM_001256213.2); c.2978G>T, p.Cys993Phe (NM_001256214.2); short protein forms C991F, C993F, C980F.
Identifiers: ClinVar variation 2769658 (VCV002769658.3), dbSNP rs2514023761, ClinGen allele CA406035203.